The following is an entry in ClinVar:

ClinVar aggregate classification (germline): Uncertain significance (1 of 4 stars; one submission).

Conditions:
Pityriasis rubra pilaris (PRP). Also called: Pityriasis rubra pilaris--familial type. Identifiers: Orphanet 2897, MedGen C0032027, MONDO:0100017, OMIM 173200, MONDO:0008251.
Psoriasis 2. Identifiers: MedGen C1864497, MONDO:0011269, OMIM 602723.

Submission:

Labcorp Genetics (formerly Invitae), Labcorp
Classification: Uncertain significance for Pityriasis rubra pilaris; Psoriasis 2. Last evaluated: 2022-11-22. Review status: criteria provided, single submitter. Criteria: Invitae Variant Classification Sherloc (09022015). Collection method: clinical testing. Allele origin: germline.
Comment: This sequence change replaces threonine, which is neutral and polar, with serine, which is neutral and polar, at codon 757 of the CARD14 protein (p.Thr757Ser). This variant is not present in population databases (gnomAD no frequency). This variant has not been reported in the literature in individuals affected with CARD14-related conditions. Advanced modeling of protein sequence and biophysical properties (such as structural, functional, and spatial information, amino acid conservation, physicochemical variation, residue mobility, and thermodynamic stability) performed at Invitae indicates that this missense variant is not expected to disrupt CARD14 protein function. In summary, the available evidence is currently insufficient to determine the role of this variant in disease. Therefore, it has been classified as a Variant of Uncertain Significance.

NM_001366385.1(CARD14):c.2269A>T (p.Thr757Ser)

Genes: CARD14 (caspase recruitment domain family member 14; plus strand), SGSH (N-sulfoglucosamine sulfohydrolase; minus strand). Cytogenetic location: 17q25.3.
Variant type: single nucleotide variant.
Coding change: c.2269A>T on transcript NM_001366385.1 (MANE Select); coding-DNA position 2269, A replaced by T.
Protein change: p.Thr757Ser; replaces threonine 757 with serine.
Molecular consequence: missense variant. On other transcripts: non-coding transcript variant (1).
Genome position (GRCh38, 1-based): chr17:80,203,871, A>T. VCF-style: chr17-80203871-A-T. GRCh37 (hg19) VCF-style: chr17-78177670-A-T.
Other names: c.2269A>T, p.Thr757Ser (NM_024110.4); short protein forms T757S.
Identifiers: ClinVar variation 1715723 (VCV001715723.6), dbSNP rs1401670592, ClinGen allele CA401354514.